The following is an entry in ClinVar:

ClinVar aggregate classification (germline): Uncertain significance (1 of 4 stars; one submission).

gnomAD v4.1: 1 of 1,555,094 alleles (0.000064%); highest among the groups gnomAD compares: Non-Finnish European, 0.000087%; no homozygotes.

Submission:

GeneDx
Classification: Uncertain significance. Last evaluated: 2025-06-06. Review status: criteria provided, single submitter. Criteria: GeneDx Variant Classification Process June 2021. Collection method: clinical testing. Allele origin: germline. Affected: yes.
Comment: Not observed at significant frequency in large population cohorts (gnomAD); In silico analysis supports a deleterious effect on splicing; Has not been previously published as pathogenic or benign to our knowledge; Reported using an alternate transcript of the gene

NM_000501.4(ELN):c.1358-174C>T

Gene: ELN (elastin; plus strand). Cytogenetic location: 7q11.23.
Variant type: single nucleotide variant.
Coding change: c.1358-174C>T on transcript NM_000501.4 (MANE Select); 174 bases into the intron before coding-DNA position 1358, C replaced by T.
Molecular consequence: intron variant. On other transcripts: missense variant (1).
Genome position (GRCh38, 1-based): chr7:74,057,466, C>T. VCF-style: chr7-74057466-C-T. GRCh37 (hg19) VCF-style: chr7-73471796-C-T.
Other names: c.1442C>T, p.Pro481Leu (NM_001278939.2); c.1373-174C>T (NM_001081754.3); c.1372+753C>T (NM_001081753.3); c.1358-174C>T (NM_001278915.2, NM_001278912.2); c.1357+753C>T (NM_001081755.3); c.1315+753C>T (NM_001278916.2); c.1171+753C>T (NM_001278913.2); c.1342+753C>T (NM_001278914.2); and 3 more; short protein forms P481L.
Identifiers: ClinVar variation 4536509 (VCV004536509.1).